The following is an entry in ClinVar:

NM_000038.6(APC):c.5691C>T (p.His1897=)

Gene: APC (APC regulator of Wnt signaling pathway; plus strand). Cytogenetic location: 5q22.2.
Variant type: single nucleotide variant.
Coding change: c.5691C>T on transcript NM_000038.6 (MANE Select); coding-DNA position 5691, C replaced by T.
Protein change: p.His1897=; no amino-acid change (histidine 1897 retained).
Molecular consequence: synonymous variant.
Genome position (GRCh38, 1-based): chr5:112,841,285, C>T. VCF-style: chr5-112841285-C-T. GRCh37 (hg19) VCF-style: chr5-112176982-C-T.
Other names: c.5691C>T, p.His1897= (NM_001127510.3, NM_001354895.2); c.5637C>T, p.His1879= (NM_001127511.3); c.5745C>T, p.His1915= (NM_001354896.2); c.5721C>T, p.His1907= (NM_001354897.2); c.5616C>T, p.His1872= (NM_001354898.2); c.5607C>T, p.His1869= (NM_001354899.2); c.5568C>T, p.His1856= (NM_001354900.2); c.5514C>T, p.His1838= (NM_001354901.2); and 5 more.
Identifiers: ClinVar variation 923418 (VCV000923418.8), dbSNP rs1766011377, ClinGen allele CA446209376.

ClinVar aggregate classification (germline): Benign/Likely benign. Review status: criteria provided, multiple submitters, no conflicts (2 of 4 stars). 4 submissions from 4 submitters: Benign (1); Likely benign (3). Last evaluated 2024-04-02.

Conditions:
Hereditary cancer-predisposing syndrome. Also called: Neoplastic Syndromes, Hereditary; Tumor predisposition; Hereditary Cancer Syndrome; Hereditary neoplastic syndrome. Identifiers: Orphanet 140162, MedGen C0027672, MeSH D009386, MONDO:0015356.
Familial adenomatous polyposis 1 (FAP1). Also called: FAMILIAL ADENOMATOUS POLYPOSIS 1, ATTENUATED; POLYPOSIS, ADENOMATOUS INTESTINAL. Identifiers: MedGen C2713442, MONDO:0021056, OMIM 175100. Disease mechanism: loss of function.

Allele frequency attached by ClinVar (database versions not stated): gnomAD exomes below 0.00001.
gnomAD v4.1: 1 of 1,613,938 alleles (0.000062%); highest among the groups gnomAD compares: South Asian, 0.0011%; no homozygotes.

Submissions (4):

Myriad Genetics, Inc.
Classification: Benign for Familial adenomatous polyposis 1. Last evaluated: 2024-04-02. Review status: criteria provided, single submitter. Criteria: Myriad Autosomal Dominant, Autosomal Recessive and X-Linked Classification Criteria (2023). Collection method: clinical testing. Allele origin: unknown.
Comment: This variant is considered benign. This variant is a silent/synonymous amino acid change and it is not expected to impact splicing.

Labcorp Genetics (formerly Invitae), Labcorp
Classification: Likely benign for Familial adenomatous polyposis 1. Last evaluated: 2022-11-06. Review status: criteria provided, single submitter. Criteria: Invitae Variant Classification Sherloc (09022015). Collection method: clinical testing. Allele origin: germline.

Ambry Genetics
Classification: Likely benign for Hereditary cancer-predisposing syndrome. Last evaluated: 2019-10-08. Review status: criteria provided, single submitter. Criteria: Ambry Variant Classification Scheme 2023. Collection method: clinical testing. Allele origin: germline.

Color Diagnostics, LLC DBA Color Health
Classification: Likely benign for Hereditary cancer-predisposing syndrome. Last evaluated: 2019-01-28. Review status: criteria provided, single submitter. Criteria: ACMG Guidelines, 2015. Collection method: clinical testing. Allele origin: germline.